The following is an entry in ClinVar:

NM_144670.6(A2ML1):c.3502+14G>C

Gene: A2ML1 (alpha-2-macroglobulin like 1; plus strand). Cytogenetic location: 12p13.31.
Variant type: single nucleotide variant.
Coding change: c.3502+14G>C on transcript NM_144670.6 (MANE Select); 14 bases into the intron after coding-DNA position 3502, G replaced by C.
Molecular consequence: intron variant.
Genome position (GRCh38, 1-based): chr12:8,861,311, G>C. VCF-style: chr12-8861311-G-C. GRCh37 (hg19) VCF-style: chr12-9013907-G-C.
Other names: c.2029+14G>C (NM_001282424.3).
Identifiers: ClinVar variation 917548 (VCV000917548.1), dbSNP rs1277207408, ClinGen allele CA603490637.

ClinVar aggregate classification (germline): Uncertain significance (1 of 4 stars; one submission).

Allele frequency attached by ClinVar (database versions not stated): gnomAD exomes 0.00001.

Submission:

Women's Health and Genetics/Laboratory Corporation of America, LabCorp
Classification: Uncertain significance. Last evaluated: 2020-01-31. Review status: criteria provided, single submitter. Criteria: LabCorp Variant Classification Summary - May 2015. Collection method: clinical testing. Allele origin: germline.
Comment: Variant summary: A2ML1 c.3502+14G>C alters a non-conserved nucleotide located close to a canonical splice site and therefore could affect mRNA splicing, leading to a significantly altered protein sequence. 5/5 computational tools predict no significant impact on normal splicing. However, these predictions have yet to be confirmed by functional studies. The variant allele was found at a frequency of 8.1e-06 in 247986 control chromosomes (gnomAD, exomes only). The available data on variant occurrences in the general population are insufficient to allow any conclusion about variant significance. To our knowledge, no occurrence of c.3502+14G>C in individuals affected with Noonan Syndrome and no experimental evidence demonstrating its impact on protein function have been reported. No clinical diagnostic laboratories have submitted clinical-significance assessments for this variant to ClinVar after 2014. Based on the evidence outlined above, the variant was classified as VUS-possibly benign.